The following is an entry in ClinVar:

NM_001080414.4(CCDC88C):c.2871C>A (p.Tyr957Ter)

Gene: CCDC88C (coiled-coil and HOOK domain protein 88C; minus strand). Cytogenetic location: 14q32.11.
Variant type: single nucleotide variant.
Coding change: c.2871C>A on transcript NM_001080414.4 (MANE Select); coding-DNA position 2871, C replaced by A.
Protein change: p.Tyr957Ter; replaces tyrosine 957 with a stop codon.
Molecular consequence: nonsense.
Genome position (GRCh38, 1-based): chr14:91,308,486, G>T on the plus strand (C>A on the coding strand, the complement: CCDC88C is on the minus strand). VCF-style: chr14-91308486-G-T. GRCh37 (hg19) VCF-style: chr14-91774830-G-T.
Other names: short protein forms Y957*.
Identifiers: ClinVar variation 2703417 (VCV002703417.3), dbSNP rs2544371503, ClinGen allele CA390626931.

ClinVar aggregate classification (germline): Pathogenic (1 of 4 stars; one submission).

Submission:

Labcorp Genetics (formerly Invitae), Labcorp
Classification: Pathogenic. Last evaluated: 2023-12-15. Review status: criteria provided, single submitter. Criteria: Invitae Variant Classification Sherloc (09022015). Collection method: clinical testing. Allele origin: germline.
Comment: This sequence change creates a premature translational stop signal (p.Tyr957*) in the CCDC88C gene. It is expected to result in an absent or disrupted protein product. Loss-of-function variants in CCDC88C are known to be pathogenic (PMID: 23042809, 29225145). This variant is not present in population databases (gnomAD no frequency). This variant has not been reported in the literature in individuals affected with CCDC88C-related conditions. For these reasons, this variant has been classified as Pathogenic.

Literature cited by the submitters: PubMed 23042809; PubMed 29225145.